The following is an entry in ClinVar:

ClinVar aggregate classification (germline): Uncertain significance (1 of 4 stars; one submission).

Submission:

Labcorp Genetics (formerly Invitae), Labcorp
Classification: Uncertain significance. Last evaluated: 2025-04-21. Review status: criteria provided, single submitter. Criteria: Invitae Variant Classification Sherloc (09022015). Collection method: clinical testing. Allele origin: germline.
Comment: This sequence change replaces serine, which is neutral and polar, with asparagine, which is neutral and polar, at codon 227 of the EBP protein (p.Ser227Asn). This variant is not present in population databases (gnomAD no frequency). This variant has not been reported in the literature in individuals affected with EBP-related conditions. ClinVar contains an entry for this variant (Variation ID: 2881853). Invitae Evidence Modeling of protein sequence and biophysical properties (such as structural, functional, and spatial information, amino acid conservation, physicochemical variation, residue mobility, and thermodynamic stability) indicates that this missense variant is not expected to disrupt EBP protein function with a negative predictive value of 95%. In summary, the available evidence is currently insufficient to determine the role of this variant in disease. Therefore, it has been classified as a Variant of Uncertain Significance.

NM_006579.3(EBP):c.680G>A (p.Ser227Asn)

Gene: EBP (EBP cholestenol delta-isomerase; plus strand). Cytogenetic location: Xp11.23.
Variant type: single nucleotide variant.
Coding change: c.680G>A on transcript NM_006579.3 (MANE Select); coding-DNA position 680, G replaced by A.
Protein change: p.Ser227Asn; replaces serine 227 with asparagine.
Molecular consequence: missense variant.
Genome position (GRCh38, 1-based): chrX:48,528,444, G>A. VCF-style: chrX-48528444-G-A. GRCh37 (hg19) VCF-style: chrX-48386832-G-A.
Other names: short protein forms S227N.
Identifiers: ClinVar variation 2881853 (VCV002881853.3), dbSNP rs1602091286, ClinGen allele CA412853684.